The following is an entry in ClinVar:

ClinVar aggregate classification (germline): Pathogenic (1 of 4 stars; one submission).

Conditions:
Werner syndrome (WRN). Identifiers: Orphanet 902, MedGen C0043119, MONDO:0010196, OMIM 277700.

Submission:

Labcorp Genetics (formerly Invitae), Labcorp
Classification: Pathogenic for Werner syndrome. Last evaluated: 2020-01-20. Review status: criteria provided, single submitter. Criteria: Invitae Variant Classification Sherloc (09022015). Collection method: clinical testing. Allele origin: germline.
Comment: For these reasons, this variant has been classified as Pathogenic. Loss-of-function variants in WRN are known to be pathogenic (PMID: 16673358). This variant has not been reported in the literature in individuals with WRN-related conditions. This variant is not present in population databases (ExAC no frequency). This sequence change creates a premature translational stop signal (p.Pro311Glyfs*6) in the WRN gene. It is expected to result in an absent or disrupted protein product.

Literature cited by the submitters: PubMed 16673358.

NM_000553.6(WRN):c.928_929dup (p.Pro311fs)

Gene: WRN (WRN RecQ like helicase; plus strand). Cytogenetic location: 8p12.
Variant type: Duplication.
Coding change: c.928_929dup on transcript NM_000553.6 (MANE Select); coding-DNA positions 928 to 929, 2 bases duplicated (AG; older notation c.928_929dupAG).
Protein change: p.Pro311fs; shifts the reading frame from proline 311.
Molecular consequence: frameshift variant.
Genome position (GRCh38, 1-based): chr8:31,080,955-31,080,956, AG duplicated; duplicating any 2 consecutive bases within chr8:31,080,954-31,080,956 gives the same sequence; the c. name uses the placement nearest the transcript's 3' end. VCF-style (leftmost placement, unchanged base first): chr8-31080953-T-TGA. GRCh37 (hg19) VCF-style: chr8-30938469-T-TGA.
Other names: short protein forms P311fs.
Identifiers: ClinVar variation 1074018 (VCV001074018.5), dbSNP rs2130117999, ClinGen allele CA2499219231.